The following is an entry in ClinVar:

NM_001372106.1(DNAH10):c.7614C>T (p.Pro2538=)

Gene: DNAH10 (dynein axonemal heavy chain 10; plus strand). Cytogenetic location: 12q24.31.
Variant type: single nucleotide variant.
Coding change: c.7614C>T on transcript NM_001372106.1 (MANE Select); coding-DNA position 7614, C replaced by T.
Protein change: p.Pro2538=; no amino-acid change (proline 2538 retained).
Molecular consequence: synonymous variant.
Genome position (GRCh38, 1-based): chr12:123,870,460, C>T. VCF-style: chr12-123870460-C-T. GRCh37 (hg19) VCF-style: chr12-124355007-C-T.
Other names: c.7260C>T, p.Pro2420= (NM_001083900.1, NM_207437.3).
Identifiers: ClinVar variation 2643528 (VCV002643528.24), dbSNP rs367651703, ClinGen allele CA6864548.
Genomic context (GRCh38, chr12:123,870,460, plus strand): 5'-TAACAAACGGAATCAATGGGTCCCATGGAGTAAATTAGTTCCAGAGTATATTCATGCCCC[C>T]GAGAGGAAATTCATCAACATCCTGGGTAAGTCAGAGTCAAATCCTTGTTCCTGGGTTTAG-3'
Protein context (NP_001359035.1, residues 2528-2548): SKLVPEYIHA[Pro2538=]ERKFINILVH

ClinVar aggregate classification (germline): Likely benign (1 of 4 stars; one submission).

Allele frequency attached by ClinVar (database versions not stated): ExAC 0.00009; TOPMed 0.00013; gnomAD 0.00015; 1000 Genomes Project 0.00020; 1000 Genomes Project 30x 0.00031.
gnomAD v4.1: 92 of 1,613,654 alleles (0.0057%); highest among the groups gnomAD compares: African/African-American, 0.06%; 1 homozygote.

Submission:

CeGaT Center for Human Genetics Tuebingen
Classification: Likely benign. Last evaluated: 2022-03-01. Review status: criteria provided, single submitter. Criteria: CeGaT Center For Human Genetics Tuebingen Variant Classification Criteria Version 2. Collection method: clinical testing. Allele origin: germline. Affected: yes. Observed: 1 variant allele.
Comment: DNAH10: BP4, BP7